The following is an entry in ClinVar:

ClinVar aggregate classification (germline): Uncertain significance (1 of 4 stars; one submission).

Conditions:
Myopathy, centronuclear, 2 (CNM2). Also called: MYOTUBULAR MYOPATHY, AUTOSOMAL RECESSIVE. Identifiers: Orphanet 169186, MedGen CN031787, MONDO:0009709, OMIM 255200.

Allele frequency attached by ClinVar (database versions not stated): gnomAD 0.00001; gnomAD exomes 0.00001.
gnomAD v4.1: 17 of 1,613,596 alleles (0.0011%); highest among the groups gnomAD compares: East Asian, 0.0022%; no homozygotes.

Submission:

Labcorp Genetics (formerly Invitae), Labcorp
Classification: Uncertain significance for Myopathy, centronuclear, 2. Last evaluated: 2022-07-15. Review status: criteria provided, single submitter. Criteria: Invitae Variant Classification Sherloc (09022015). Collection method: clinical testing. Allele origin: germline.
Comment: In summary, the available evidence is currently insufficient to determine the role of this variant in disease. Therefore, it has been classified as a Variant of Uncertain Significance. Variants that disrupt the consensus splice site are a relatively common cause of aberrant splicing (PMID: 17576681, 9536098). Algorithms developed to predict the effect of sequence changes on RNA splicing suggest that this variant is not likely to affect RNA splicing. ClinVar contains an entry for this variant (Variation ID: 575418). This variant has not been reported in the literature in individuals affected with BIN1-related conditions. This variant is present in population databases (no rsID available, gnomAD 0.006%). This sequence change falls in intron 6 of the BIN1 gene. It does not directly change the encoded amino acid sequence of the BIN1 protein. It affects a nucleotide within the consensus splice site.

Literature cited by the submitters: PubMed 17576681; PubMed 9536098.

NM_139343.3(BIN1):c.519+4A>G

Gene: BIN1 (bridging integrator 1; minus strand). Cytogenetic location: 2q14.3.
Variant type: single nucleotide variant.
Coding change: c.519+4A>G on transcript NM_139343.3 (MANE Select); 4 bases into the intron after coding-DNA position 519, A replaced by G.
Molecular consequence: intron variant.
Genome position (GRCh38, 1-based): chr2:127,068,920, T>C on the plus strand (A>G on the coding strand, the complement: BIN1 is on the minus strand). VCF-style: chr2-127068920-T-C. GRCh37 (hg19) VCF-style: chr2-127826496-T-C.
Other names: c.438+4A>G (NM_001320642.1); c.447+4A>G (NM_001320634.1); c.519+4A>G (NM_139351.3, NM_139350.3, NM_139349.3 and 10 more transcripts).
Identifiers: ClinVar variation 575418 (VCV000575418.6), dbSNP rs1429919147, ClinGen allele CA535624453.